The following is an entry in ClinVar:

ClinVar aggregate classification (germline): Uncertain significance. Review status: criteria provided, multiple submitters, no conflicts (2 of 4 stars). 4 submissions from 4 submitters: Uncertain significance (4). Last evaluated 2025-06-20.

Conditions:
Cardiovascular phenotype. Identifiers: MedGen CN230736.
Hypertrophic cardiomyopathy. Also called: HYPERTROPHIC MYOCARDIOPATHY. Identifiers: Orphanet 217569, MedGen C0007194, MeSH D002312, MONDO:0005045, HP:0001639.
Cardiomyopathy (CMYO). Also called: Cardiomyopathies. Identifiers: Orphanet 167848, MedGen C0878544, MONDO:0004994, HP:0001638. Inheritance: Various modes of inheritance.

Allele frequency attached by ClinVar (database versions not stated): ExAC 0.00002; gnomAD exomes 0.00002.
gnomAD v4.1: 26 of 1,614,040 alleles (0.0016%); highest among the groups gnomAD compares: Non-Finnish European, 0.002%; no homozygotes.

Submissions (4):

Ambry Genetics
Classification: Uncertain significance for Cardiovascular phenotype. Last evaluated: 2025-06-20. Review status: criteria provided, single submitter. Criteria: Ambry Variant Classification Scheme 2023. Collection method: clinical testing. Allele origin: germline.
Comment: The p.T47I variant (also known as c.140C>T), located in coding exon 2 of the MYL3 gene, results from a C to T substitution at nucleotide position 140. The threonine at codon 47 is replaced by isoleucine, an amino acid with similar properties. This amino acid position is conserved. In addition, the in silico prediction for this alteration is inconclusive. Since supporting evidence is limited at this time, the clinical significance of this alteration remains unclear.

Labcorp Genetics (formerly Invitae), Labcorp
Classification: Uncertain significance for Hypertrophic cardiomyopathy. Last evaluated: 2024-10-15. Review status: criteria provided, single submitter. Criteria: Invitae Variant Classification Sherloc (09022015). Collection method: clinical testing. Allele origin: germline.
Comment: This sequence change replaces threonine, which is neutral and polar, with isoleucine, which is neutral and non-polar, at codon 47 of the MYL3 protein (p.Thr47Ile). This variant is present in population databases (rs778515428, gnomAD 0.004%). This variant has not been reported in the literature in individuals affected with MYL3-related conditions. ClinVar contains an entry for this variant (Variation ID: 1171489). An algorithm developed to predict the effect of missense changes on protein structure and function (PolyPhen-2) suggests that this variant is likely to be disruptive. In summary, the available evidence is currently insufficient to determine the role of this variant in disease. Therefore, it has been classified as a Variant of Uncertain Significance.

All of Us Research Program, National Institutes of Health
Classification: Uncertain significance for Hypertrophic cardiomyopathy. Last evaluated: 2024-05-14. Review status: criteria provided, single submitter. Criteria: ACMG Guidelines, 2015. Collection method: clinical testing. Allele origin: germline. Inheritance: Autosomal dominant inheritance. Observed: 1 variant allele, 1 heterozygote.
Comment: This missense variant replaces threonine with isoleucine at codon 47 of the MYL3 protein. Computational prediction suggests that this variant may not impact protein structure and function (internally defined REVEL score threshold <= 0.5, PMID: 27666373). To our knowledge, functional studies have not been reported for this variant. This variant has not been reported in individuals affected with cardiovascular disorders in the literature. This variant has been identified in 6/251334 chromosomes in the general population by the Genome Aggregation Database (gnomAD). The available evidence is insufficient to determine the role of this variant in disease conclusively. Therefore, this variant is classified as a Variant of Uncertain Significance.

This study involves interpretation of variants in research participants for the purpose of population health screening. Participant phenotype was not available at the time of variant classification. Additional details can be found in publication PMID: 35346344, PMCID: PMC8962531

Color Diagnostics, LLC DBA Color Health
Classification: Uncertain significance for Cardiomyopathy. Last evaluated: 2024-03-06. Review status: criteria provided, single submitter. Criteria: ACMG Guidelines, 2015. Collection method: clinical testing. Allele origin: germline.
Comment: This missense variant replaces threonine with isoleucine at codon 47 of the MYL3 protein. Computational prediction suggests that this variant may not impact protein structure and function (internally defined REVEL score threshold <= 0.5, PMID: 27666373). To our knowledge, functional studies have not been reported for this variant. This variant has not been reported in individuals affected with cardiovascular disorders in the literature. This variant has been identified in 6/251334 chromosomes in the general population by the Genome Aggregation Database (gnomAD). The available evidence is insufficient to determine the role of this variant in disease conclusively. Therefore, this variant is classified as a Variant of Uncertain Significance.

NM_000258.3(MYL3):c.140C>T (p.Thr47Ile)

Gene: MYL3 (myosin light chain 3; minus strand). Cytogenetic location: 3p21.31.
Variant type: single nucleotide variant.
Coding change: c.140C>T on transcript NM_000258.3 (MANE Select); coding-DNA position 140, C replaced by T.
Protein change: p.Thr47Ile; replaces threonine 47 with isoleucine.
Molecular consequence: missense variant.
Genome position (GRCh38, 1-based): chr3:46,860,977, G>A on the plus strand (C>T on the coding strand, the complement: MYL3 is on the minus strand). VCF-style: chr3-46860977-G-A. GRCh37 (hg19) VCF-style: chr3-46902467-G-A.
Other names: short protein forms T47I.
Identifiers: ClinVar variation 1171489 (VCV001171489.12), dbSNP rs778515428, ClinGen allele CA042630.
Genomic context (GRCh38, chr3:46,860,977, plus strand): 5'-CCAGCCCAATCCTGCAACCCCTGGGTTCAAGACCCCTGCTCACCTTCAATCTGCTCAGGT[G>A]TGAACTCAATCTGAAAAGAGACCCCAAAGACTCAGATGCCCGGCTTAAAAGGTGGGGCCA-3'
Protein context (NP_000249.1, residues 37-57): FDASKIKIEF[Thr47Ile]PEQIEEFKEA